The following is an entry in ClinVar:

ClinVar aggregate classification (germline): Conflicting classifications of pathogenicity. Review status: criteria provided, conflicting classifications (1 of 4 stars). 6 submissions from 6 submitters: Uncertain significance (4); Likely benign (2). Last evaluated 2025-12-21.

Conditions:
Hereditary cancer-predisposing syndrome. Also called: Neoplastic Syndromes, Hereditary; Hereditary neoplastic syndrome; Tumor predisposition; Hereditary Cancer Syndrome. Identifiers: Orphanet 140162, MedGen C0027672, MeSH D009386, MONDO:0015356.
Breast-ovarian cancer, familial, susceptibility to, 2 (BROVCA2). Also called: BRCA2 Hereditary Breast and Ovarian Cancer. Identifiers: Orphanet 145, MedGen C2675520, MONDO:0012933, OMIM 612555. Disease mechanism: loss of function.
Hereditary breast ovarian cancer syndrome. Also called: Breast and ovarian cancer; Hereditary breast and/or ovarian cancer syndrome; Hereditary breast and ovarian cancer; Hereditary breast and ovarian cancer syndrome; BRCA1- and BRCA2-Associated Hereditary Breast and Ovarian Cancer; Hereditary breast and ovarian cancer syndrome (HBOC). Identifiers: Orphanet 145, MedGen C0677776, MeSH D061325, MONDO:0003582. Disease mechanism: loss of function.

Allele frequency attached by ClinVar (database versions not stated): gnomAD exomes 0.00001.
gnomAD v4.1: 3 of 1,613,994 alleles (0.00019%); highest among the groups gnomAD compares: Non-Finnish European, 0.00025%; no homozygotes.

Submissions (6):

Labcorp Genetics (formerly Invitae), Labcorp
Classification: Uncertain significance for Hereditary breast ovarian cancer syndrome. Last evaluated: 2025-12-21. Review status: criteria provided, single submitter. Criteria: Invitae Variant Classification Sherloc (09022015). Collection method: clinical testing. Allele origin: germline.
Comment: This sequence change replaces tyrosine, which is neutral and polar, with cysteine, which is neutral and slightly polar, at codon 1135 of the BRCA2 protein (p.Tyr1135Cys). This variant is not present in population databases (gnomAD no frequency). This missense change has been observed in individual(s) with a personal and/or family history of hereditary breast and/or ovarian cancer (PMID: 29310832). ClinVar contains an entry for this variant (Variation ID: 846511). Invitae Evidence Modeling of protein sequence and biophysical properties (such as structural, functional, and spatial information, amino acid conservation, physicochemical variation, residue mobility, and thermodynamic stability) indicates that this missense variant is not expected to disrupt BRCA2 protein function with a negative predictive value of 95%. In summary, the available evidence is currently insufficient to determine the role of this variant in disease. Therefore, it has been classified as a Variant of Uncertain Significance.

Ambry Genetics
Classification: Likely benign for Hereditary cancer-predisposing syndrome. Last evaluated: 2024-11-11. Review status: criteria provided, single submitter. Criteria: Ambry Variant Classification Scheme 2023. Collection method: clinical testing. Allele origin: germline.

GeneDx
Classification: Uncertain significance. Last evaluated: 2024-10-22. Review status: criteria provided, single submitter. Criteria: GeneDx Variant Classification Process June 2021. Collection method: clinical testing. Allele origin: germline. Affected: yes.
Comment: Not observed at significant frequency in large population cohorts (gnomAD); In silico analysis supports that this missense variant has a deleterious effect on protein structure/function; Also known as 3632A>G; This variant is associated with the following publications: (PMID: 30548481, 29310832)

All of Us Research Program, National Institutes of Health
Classification: Uncertain significance for Breast-ovarian cancer, familial, susceptibility to, 2. Last evaluated: 2023-11-02. Review status: criteria provided, single submitter. Criteria: ACMG Guidelines, 2015. Collection method: clinical testing. Allele origin: germline. Inheritance: Autosomal dominant inheritance. Observed: 1 variant allele, 1 heterozygote.
Comment: This missense variant replaces tyrosine with cysteine at codon 1135 of the BRCA2 protein. Computational prediction suggests that this variant may not impact protein structure and function (internally defined REVEL score threshold <= 0.5, PMID: 27666373). To our knowledge, functional studies have not been reported for this variant. This variant has been reported in an individual affected with personal or family history of breast and/or ovarian cancer (PMID: 29310832) and an individual affected with renal cancer (PMID: 30548481). This variant has not been identified in the general population by the Genome Aggregation Database (gnomAD). The available evidence is insufficient to determine the role of this variant in disease conclusively. Therefore, this variant is classified as a Variant of Uncertain Significance.

This study involves interpretation of variants in research participants for the purpose of population health screening. Participant phenotype was not available at the time of variant classification. Additional details can be found in publication PMID: 35346344, PMCID: PMC8962531

Color Diagnostics, LLC DBA Color Health
Classification: Uncertain significance for Hereditary cancer-predisposing syndrome. Last evaluated: 2023-10-11. Review status: criteria provided, single submitter. Criteria: ACMG Guidelines, 2015. Collection method: clinical testing. Allele origin: germline.
Comment: This missense variant replaces tyrosine with cysteine at codon 1135 of the BRCA2 protein. Computational prediction suggests that this variant may not impact protein structure and function (internally defined REVEL score threshold <= 0.5, PMID: 27666373). To our knowledge, functional studies have not been reported for this variant. This variant has been reported in an individual affected with personal or family history of breast and/or ovarian cancer (PMID: 29310832) and an individual affected with renal cancer (PMID: 30548481). This variant has not been identified in the general population by the Genome Aggregation Database (gnomAD). The available evidence is insufficient to determine the role of this variant in disease conclusively. Therefore, this variant is classified as a Variant of Uncertain Significance.

University of Washington Department of Laboratory Medicine, University of Washington
Classification: Likely benign for Hereditary cancer-predisposing syndrome. Last evaluated: 2023-03-23. Review status: criteria provided, single submitter. Criteria: Dines et al. (Genet Med. 2020). Collection method: curation. Allele origin: germline.
Comment: Missense variant in a coldspot region where missense variants are very unlikely to be pathogenic (PMID:31911673).

BRCA2 exon 11 coldspot. Reclassification based on statistical prior probability.

Literature cited by the submitters: PubMed 29310832 (cited by 4 submitters); PubMed 30548481 (cited by 3 submitters).

NM_000059.4(BRCA2):c.3404A>G (p.Tyr1135Cys)

Gene: BRCA2 (BRCA2 DNA repair associated; plus strand). Cytogenetic location: 13q13.1.
Variant type: single nucleotide variant.
Coding change: c.3404A>G on transcript NM_000059.4 (MANE Select); coding-DNA position 3404, A replaced by G.
Protein change: p.Tyr1135Cys; replaces tyrosine 1135 with cysteine.
Molecular consequence: missense variant.
Genome position (GRCh38, 1-based): chr13:32,337,759, A>G. VCF-style: chr13-32337759-A-G. GRCh37 (hg19) VCF-style: chr13-32911896-A-G.
Other names: short protein forms Y1135C.
Identifiers: ClinVar variation 846511 (VCV000846511.20), dbSNP rs2072479515, ClinGen allele CA387776478.